The following is an entry in ClinVar:

NM_001768.7(CD8A):c.192C>A (p.Ala64=)

Gene: CD8A (CD8 subunit alpha; minus strand). Cytogenetic location: 2p11.2.
Variant type: single nucleotide variant.
Coding change: c.192C>A on transcript NM_001768.7 (MANE Select); coding-DNA position 192, C replaced by A.
Protein change: p.Ala64=; no amino-acid change (alanine 64 retained).
Molecular consequence: synonymous variant. On other transcripts: non-coding transcript variant (3).
Genome position (GRCh38, 1-based): chr2:86,790,539, G>T on the plus strand (C>A on the coding strand, the complement: CD8A is on the minus strand). VCF-style: chr2-86790539-G-T. GRCh37 (hg19) VCF-style: chr2-87017662-G-T.
Other names: p.Ala64=; c.192C>A, p.Ala64= (NM_001145873.1, NM_171827.4, NM_001382698.1); c.192C>A (NM_001768.6).
Identifiers: ClinVar variation 402523 (VCV000402523.16), dbSNP rs2229239, ClinGen allele CA1751251.

ClinVar aggregate classification (germline): Benign. Review status: criteria provided, multiple submitters, no conflicts (2 of 4 stars). 5 submissions from 5 submitters: Benign (5). Last evaluated 2026-02-04.

Conditions:
Susceptibility to respiratory infections associated with CD8alpha chain mutation (IMD116). Also called: Cd8 deficiency, familial; IMMUNODEFICIENCY 116. Identifiers: Orphanet 169085, MedGen C1837065, MONDO:0012161, OMIM 608957.

Allele frequency attached by ClinVar (database versions not stated): 1000 Genomes Project 0.03654; 1000 Genomes Project 30x 0.03670; ExAC 0.06034; TOPMed 0.07062; ESP Exome Variant Server 0.07641.
gnomAD v4.1: 115,029 of 1,613,474 alleles (7.1%); highest among the groups gnomAD compares: African/African-American, 8.3%; 4,531 homozygotes.

Submissions (5):

Labcorp Genetics (formerly Invitae), Labcorp
Classification: Benign for Susceptibility to respiratory infections associated with CD8alpha chain mutation. Last evaluated: 2026-02-04. Review status: criteria provided, single submitter. Criteria: Invitae Variant Classification Sherloc (09022015). Collection method: clinical testing. Allele origin: germline.

Women's Health and Genetics/Laboratory Corporation of America, LabCorp
Classification: Benign. Last evaluated: 2026-01-21. Review status: criteria provided, single submitter. Criteria: LabCorp Variant Classification Summary - May 2015. Collection method: clinical testing. Allele origin: germline.

Mayo Clinic Laboratories, Mayo Clinic
Classification: Benign. Last evaluated: 2019-03-04. Review status: criteria provided, single submitter. Criteria: ACMG Guidelines, 2015. Collection method: clinical testing. Allele origin: germline. Observed: 15 variant alleles.

Laboratory for Molecular Medicine, Mass General Brigham Personalized Medicine
Classification: Benign. Last evaluated: 2016-03-28. Review status: criteria provided, single submitter. Criteria: LMM Criteria. Collection method: clinical testing. Allele origin: germline.
Comment: Variant identified in a genome or exome case(s) and assessed due to predicted null impact of the variant or pathogenic assertions in the literature or databases. Disclaimer: This variant has not undergone full assessment. The following are preliminary notes: MAF

Breakthrough Genomics
Classification: Benign. Review status: criteria provided, single submitter. Criteria: ACMG Guidelines, 2015. Collection method: not provided. Allele origin: germline. Inheritance: Autosomal recessive inheritance. Affected: yes.